The following is an entry in ClinVar:

ClinVar aggregate classification (germline): Uncertain significance. Review status: criteria provided, multiple submitters, no conflicts (2 of 4 stars). 2 submissions from 2 submitters: Uncertain significance (2). Last evaluated 2021-09-09.

Conditions:
Alstrom syndrome (ALMS). Identifiers: Orphanet 64, MedGen C0268425, MONDO:0008763, OMIM 203800.
Bardet-Biedl syndrome (BBS). Identifiers: Orphanet 110, MedGen C0752166, MONDO:0015229.

Allele frequency attached by ClinVar (database versions not stated): gnomAD exomes below 0.00001; TOPMed below 0.00001.
gnomAD v4.1: 8 of 1,613,972 alleles (0.0005%); highest among the groups gnomAD compares: Non-Finnish European, 0.00068%; no homozygotes.

Submissions (2):

Labcorp Genetics (formerly Invitae), Labcorp
Classification: Uncertain significance for Alstrom syndrome. Last evaluated: 2021-09-09. Review status: criteria provided, single submitter. Criteria: Invitae Variant Classification Sherloc (09022015). Collection method: clinical testing. Allele origin: germline.
Comment: This sequence change replaces alanine with serine at codon 3413 of the ALMS1 protein (p.Ala3413Ser). The alanine residue is weakly conserved and there is a moderate physicochemical difference between alanine and serine. This variant is not present in population databases (ExAC no frequency). This variant has not been reported in the literature in individuals with ALMS1-related conditions. Experimental studies and prediction algorithms are not available or were not evaluated, and the functional significance of this variant is currently unknown. In summary, the available evidence is currently insufficient to determine the role of this variant in disease. Therefore, it has been classified as a Variant of Uncertain Significance.

SN ONGC Dept of Genetics and Molecular biology Vision Research Foundation
Classification: Uncertain significance for Bardet-Biedl syndrome. Review status: criteria provided, single submitter. Criteria: ACMG Guidelines, 2015. Collection method: research. Allele origin: unknown. Affected: yes. Observed: 1 heterozygote.
Comment: This variant was observed in digenic inheritance with the variant NC_000002.11:g.63720067T>A.

NM_001378454.1(ALMS1):c.10234G>T (p.Ala3412Ser)

Gene: ALMS1 (ALMS1 centrosome and basal body associated protein; plus strand). Cytogenetic location: 2p13.1.
Variant type: single nucleotide variant.
Coding change: c.10234G>T on transcript NM_001378454.1 (MANE Select); coding-DNA position 10234, G replaced by T.
Protein change: p.Ala3412Ser; replaces alanine 3412 with serine.
Molecular consequence: missense variant.
Genome position (GRCh38, 1-based): chr2:73,558,992, G>T. VCF-style: chr2-73558992-G-T. GRCh37 (hg19) VCF-style: chr2-73786119-G-T.
Other names: c.10237G>T, p.Ala3413Ser (NM_015120.4); short protein forms A3412S, A3413S.
Identifiers: ClinVar variation 1489885 (VCV001489885.3), dbSNP rs1454233838, ClinGen allele CA347277715.
Genomic context (GRCh38, chr2:73,558,992, plus strand): 5'-AAGTTCCTGTCTGTATAGTGTGTTAATTTCCCTTTCGTAGATTCCAGTGCTGCTGCTGCT[G>T]CAGAGCACTCAGCTCAAGTAGGAGACCCAGAAATGAAGAACTTGCCAGACACTAAAGCCA-3'
Protein context (NP_001365383.1, residues 3402-3422): DTADSSAAAA[Ala3412Ser]EHSAQVGDPE